The following is an entry in ClinVar:

NM_207122.2(EXT2):c.1279G>A (p.Glu427Lys)

Gene: EXT2 (exostosin glycosyltransferase 2; plus strand). Cytogenetic location: 11p11.2.
Variant type: single nucleotide variant.
Coding change: c.1279G>A on transcript NM_207122.2 (MANE Select); coding-DNA position 1279, G replaced by A.
Protein change: p.Glu427Lys; replaces glutamic acid 427 with lysine.
Molecular consequence: missense variant.
Genome position (GRCh38, 1-based): chr11:44,171,716, G>A. VCF-style: chr11-44171716-G-A. GRCh37 (hg19) VCF-style: chr11-44193266-G-A.
Other names: c.1378G>A, p.Glu460Lys (NM_000401.3); c.1309G>A, p.Glu437Lys (NM_001178083.3); c.1279G>A, p.Glu427Lys (NM_001389628.1, NM_001389630.1); short protein forms E427K, E437K, E460K.
Identifiers: ClinVar variation 4806920 (VCV004806920.1).

ClinVar aggregate classification (germline): Uncertain significance (1 of 4 stars; one submission).

Conditions:
Exostoses, multiple, type 2 (EXT2). Also called: Hereditary Multiple Osteochondromatosis, Type II; EXOSTOSES, MULTIPLE, TYPE II. Identifiers: Orphanet 321, MedGen C1851413, MONDO:0007586, OMIM 133701.

Submission:

Labcorp Genetics (formerly Invitae), Labcorp
Classification: Uncertain significance for Exostoses, multiple, type 2. Last evaluated: 2025-03-17. Review status: criteria provided, single submitter. Criteria: Invitae Variant Classification Sherloc (09022015). Collection method: clinical testing. Allele origin: germline.
Comment: This sequence change replaces glutamic acid, which is acidic and polar, with lysine, which is basic and polar, at codon 427 of the EXT2 protein (p.Glu427Lys). This variant is not present in population databases (gnomAD no frequency). This variant has not been reported in the literature in individuals affected with EXT2-related conditions. Invitae Evidence Modeling of protein sequence and biophysical properties (such as structural, functional, and spatial information, amino acid conservation, physicochemical variation, residue mobility, and thermodynamic stability) indicates that this missense variant is not expected to disrupt EXT2 protein function with a negative predictive value of 95%. In summary, the available evidence is currently insufficient to determine the role of this variant in disease. Therefore, it has been classified as a Variant of Uncertain Significance.